The following is an entry in ClinVar:

NM_015474.4(SAMHD1):c.1609-1G>T

Gene: SAMHD1 (SAM and HD domain containing deoxynucleoside triphosphate triphosphohydrolase 1; minus strand). Cytogenetic location: 20q11.23.
Variant type: single nucleotide variant.
Coding change: c.1609-1G>T on transcript NM_015474.4 (MANE Select); the canonical splice acceptor site of the intron before coding-DNA position 1609, G replaced by T.
Molecular consequence: splice acceptor variant.
Genome position (GRCh38, 1-based): chr20:36,897,960, C>A on the plus strand (G>T on the coding strand, the complement: SAMHD1 is on the minus strand). VCF-style: chr20-36897960-C-A. GRCh37 (hg19) VCF-style: chr20-35526363-C-A.
Other names: c.1504-1G>T (NM_001363729.2); c.1609-1G>T (NM_001363733.2).
Identifiers: ClinVar variation 1032693 (VCV001032693.9), dbSNP rs515726143, ClinGen allele CA314281328.

ClinVar aggregate classification (germline): Pathogenic (1 of 4 stars; one submission).

Conditions:
Aicardi-Goutieres syndrome 5. Identifiers: Orphanet 51, MedGen C2749659, MONDO:0013059, OMIM 612952.

Allele frequency attached by ClinVar (database versions not stated): gnomAD 0.00001; TOPMed 0.00001.
gnomAD v4.1: 1 of 1,613,950 alleles (0.000062%); highest among the groups gnomAD compares: African/African-American, 0.0013%; no homozygotes.

Submission:

Labcorp Genetics (formerly Invitae), Labcorp
Classification: Pathogenic for Aicardi-Goutieres syndrome 5. Last evaluated: 2023-07-19. Review status: criteria provided, single submitter. Criteria: Invitae Variant Classification Sherloc (09022015). Collection method: clinical testing. Allele origin: germline.
Comment: Studies have shown that disruption of this splice site is associated with altered splicing resulting in multiple RNA products (PMID: 19525956). For these reasons, this variant has been classified as Pathogenic. ClinVar contains an entry for this variant (Variation ID: 1032693). Disruption of this splice site has been observed in individual(s) with Aicardi-Goutieres syndrome (PMID: 19525956). This variant is present in population databases (no rsID available, gnomAD 0.01%). This sequence change affects an acceptor splice site in intron 14 of the SAMHD1 gene. It is expected to disrupt RNA splicing. Variants that disrupt the donor or acceptor splice site typically lead to a loss of protein function (PMID: 16199547), and loss-of-function variants in SAMHD1 are known to be pathogenic (PMID: 19525956, 22461318).

Literature cited by the submitters: PubMed 19525956; PubMed 16199547; PubMed 22461318.